The following is an entry in ClinVar:

ClinVar aggregate classification (germline): Uncertain significance (1 of 4 stars; one submission).

Allele frequency attached by ClinVar (database versions not stated): gnomAD exomes below 0.00001.
gnomAD v4.1: 1 of 1,613,890 alleles (0.000062%); highest among the groups gnomAD compares: Non-Finnish European, 0.000085%; no homozygotes.

Submission:

Laboratory for Molecular Medicine, Mass General Brigham Personalized Medicine
Classification: Uncertain significance. Last evaluated: 2019-03-15. Review status: criteria provided, single submitter. Criteria: LMM Criteria. Collection method: clinical testing. Allele origin: germline. Observed: 2 variant alleles.
Comment: The p.Thr401Ala variant in HSD17B4 has not been previously reported in individuals with hearing loss, Perrault syndrome, or D-bifunctional protein deficiency and was absent from large population studies. Computational prediction tools and conservation analysis suggest that this variant may impact the protein, though this information is not predictive enough to determine pathogenicity. In summary, the clinical significance of this variant is uncertain. ACMG/AMP Criteria applied: PM2, PP3.

NM_000414.4(HSD17B4):c.1126A>G (p.Thr376Ala)

Gene: HSD17B4 (hydroxysteroid 17-beta dehydrogenase 4; plus strand). Cytogenetic location: 5q23.1.
Variant type: single nucleotide variant.
Coding change: c.1126A>G on transcript NM_000414.4 (MANE Select); coding-DNA position 1126, A replaced by G.
Protein change: p.Thr376Ala; replaces threonine 376 with alanine.
Molecular consequence: missense variant. On other transcripts: non-coding transcript variant (2).
Genome position (GRCh38, 1-based): chr5:119,499,470, A>G. VCF-style: chr5-119499470-A-G. GRCh37 (hg19) VCF-style: chr5-118835165-A-G.
Other names: c.1201A>G, p.Thr401Ala (NM_001199291.3); c.1072A>G, p.Thr358Ala (NM_001199292.2); c.1054A>G, p.Thr352Ala (NM_001292027.2); c.706A>G, p.Thr236Ala (NM_001292028.2); c.1117A>G, p.Thr373Ala (NM_001374497.1); c.1126A>G, p.Thr376Ala (NM_001374498.1); c.799A>G, p.Thr267Ala (NM_001374499.1); c.685A>G, p.Thr229Ala (NM_001374500.1); and 1 more; short protein forms T358A, T373A, T401A, T236A, T267A, T229A, T239A, T352A.
Identifiers: ClinVar variation 930071 (VCV000930071.4), dbSNP rs1750955154, ClinGen allele CA360868184.
Genomic context (GRCh38, chr5:119,499,470, plus strand): 5'-AAGGATCCAAAAGATTTGAAATTTATTTATGAAGGAAGTTCTGATTTCTCCTGTTTGCCC[A>G]CCTTCGGAGTTATCATAGGTCAGAAATCTATGATGGGTGGAGGATTAGCAGAAATTCCTG-3'
Protein context (NP_000405.1, residues 366-386): EGSSDFSCLP[Thr376Ala]FGVIIGQKSM